The following is an entry in ClinVar:

NM_001134407.3(GRIN2A):c.325G>A (p.Val109Ile)

Gene: GRIN2A (glutamate ionotropic receptor NMDA type subunit 2A; minus strand). Cytogenetic location: 16p13.2.
Variant type: single nucleotide variant.
Coding change: c.325G>A on transcript NM_001134407.3 (MANE Select); coding-DNA position 325, G replaced by A.
Protein change: p.Val109Ile; replaces valine 109 with isoleucine.
Molecular consequence: missense variant.
Genome position (GRCh38, 1-based): chr16:10,180,087, C>T on the plus strand (G>A on the coding strand, the complement: GRIN2A is on the minus strand). VCF-style: chr16-10180087-C-T. GRCh37 (hg19) VCF-style: chr16-10273944-C-T.
Other names: c.325G>A, p.Val109Ile (NM_000833.5, NM_001134408.2); short protein forms V109I.
Identifiers: ClinVar variation 2753205 (VCV002753205.3), dbSNP rs2142388308, ClinGen allele CA394715261.

ClinVar aggregate classification (germline): Uncertain significance (1 of 4 stars; one submission).

Conditions:
Landau-Kleffner syndrome (FESD). Also called: APHASIA, ACQUIRED, WITH EPILEPSY; EPILEPSY, FOCAL, WITH SPEECH DISORDER AND WITH OR WITHOUT MENTAL RETARDATION. Identifiers: Orphanet 1945, Orphanet 725, Orphanet 98818, MedGen C0282512, MONDO:0009509, OMIM 245570.

gnomAD v4.1: 1 of 1,614,190 alleles (0.000062%); no homozygotes.

Submission:

Labcorp Genetics (formerly Invitae), Labcorp
Classification: Uncertain significance for Landau-Kleffner syndrome. Last evaluated: 2023-07-07. Review status: criteria provided, single submitter. Criteria: Invitae Variant Classification Sherloc (09022015). Collection method: clinical testing. Allele origin: germline.
Comment: This variant has not been reported in the literature in individuals affected with GRIN2A-related conditions. This sequence change replaces valine, which is neutral and non-polar, with isoleucine, which is neutral and non-polar, at codon 109 of the GRIN2A protein (p.Val109Ile). This variant is not present in population databases (gnomAD no frequency). Advanced modeling of protein sequence and biophysical properties (such as structural, functional, and spatial information, amino acid conservation, physicochemical variation, residue mobility, and thermodynamic stability) performed at Invitae indicates that this missense variant is not expected to disrupt GRIN2A protein function. In summary, the available evidence is currently insufficient to determine the role of this variant in disease. Therefore, it has been classified as a Variant of Uncertain Significance.